The following is an entry in ClinVar:

NM_001360016.2(G6PD):c.433A>T (p.Thr145Ser)

Gene: G6PD (glucose-6-phosphate dehydrogenase; minus strand). Cytogenetic location: Xq28.
Variant type: single nucleotide variant.
Coding change: c.433A>T on transcript NM_001360016.2 (MANE Select); coding-DNA position 433, A replaced by T.
Protein change: p.Thr145Ser; replaces threonine 145 with serine.
Molecular consequence: missense variant.
Genome position (GRCh38, 1-based): chrX:154,535,220, T>A on the plus strand (A>T on the coding strand, the complement: G6PD is on the minus strand). VCF-style: chrX-154535220-T-A. GRCh37 (hg19) VCF-style: chrX-153763435-T-A.
Other names: c.523A>T, p.Thr175Ser (NM_000402.4); c.433A>T, p.Thr145Ser (NM_001042351.3); c.433A>T (NM_001042351.1); short protein forms T175S, T145S.
Identifiers: ClinVar variation 2171926 (VCV002171926.4), dbSNP rs782264331, ClinGen allele CA10566246.

ClinVar aggregate classification (germline): Conflicting classifications of pathogenicity. Review status: criteria provided, conflicting classifications (1 of 4 stars). 3 submissions from 3 submitters: Uncertain significance (2); Likely benign (1). Last evaluated 2025-04-08.

Conditions:
Anemia, nonspherocytic hemolytic, due to G6PD deficiency (CNSHA1). Also called: ANEMIA, CONGENITAL, NONSPHEROCYTIC HEMOLYTIC, 1; Class I glucose-6-phosphate dehydrogenase deficiency; Favism, susceptibility to; Hemolytic anemia due to G6PD deficiency. Identifiers: Orphanet 466026, MedGen C2720289, MONDO:0010480, OMIM 300908.

Allele frequency attached by ClinVar (database versions not stated): gnomAD exomes below 0.00001; ExAC 0.00001.
gnomAD v4.1: 1 of 1,211,419 alleles (0.000083%); highest among the groups gnomAD compares: Non-Finnish European, 0.00011%; no homozygotes.

Submissions (3):

Labcorp Genetics (formerly Invitae), Labcorp
Classification: Uncertain significance for Anemia, nonspherocytic hemolytic, due to G6PD deficiency. Last evaluated: 2025-04-08. Review status: criteria provided, single submitter. Criteria: Invitae Variant Classification Sherloc (09022015). Collection method: clinical testing. Allele origin: germline.
Comment: This sequence change replaces threonine, which is neutral and polar, with serine, which is neutral and polar, at codon 145 of the G6PD protein (p.Thr145Ser). This variant is not present in population databases (gnomAD no frequency). This variant has not been reported in the literature in individuals affected with G6PD-related conditions. ClinVar contains an entry for this variant (Variation ID: 2171926). Invitae Evidence Modeling of protein sequence and biophysical properties (such as structural, functional, and spatial information, amino acid conservation, physicochemical variation, residue mobility, and thermodynamic stability) indicates that this missense variant is not expected to disrupt G6PD protein function with a negative predictive value of 95%. Experimental studies have shown that this missense change does not substantially affect G6PD function (PMID: 38645242). In summary, the available evidence is currently insufficient to determine the role of this variant in disease. Therefore, it has been classified as a Variant of Uncertain Significance.

Dunham Lab, University of Washington
Classification: Likely benign for Anemia, nonspherocytic hemolytic, due to G6PD deficiency. Last evaluated: 2024-09-01. Review status: criteria provided, single submitter. Criteria: ACMG Guidelines, 2015. Collection method: curation, in vitro. Allele origin: unknown, not applicable. Affected: no.
Comment: Reported in a hemizygote with normal G6PD activity in red blood cells (BS3). Predicted to have normal function (BP4).

Blueprint Genetics
Classification: Uncertain significance. Last evaluated: 2022-06-15. Review status: criteria provided, single submitter. Criteria: ACMG Guidelines, 2015. Collection method: clinical testing. Allele origin: germline.

Literature cited by the submitters: PubMed 38645242 (cited by Labcorp Genetics (formerly Invitae), Labcorp).